The following is an entry in ClinVar:

NM_002471.4(MYH6):c.3107dup (p.Glu1037fs)

Gene: MYH6 (myosin heavy chain 6; minus strand). Cytogenetic location: 14q11.2.
Variant type: Duplication.
Coding change: c.3107dup on transcript NM_002471.4 (MANE Select); coding-DNA position 3107, one base duplicated (T; older notation c.3107dupT).
Protein change: p.Glu1037fs; shifts the reading frame from glutamic acid 1037.
Molecular consequence: frameshift variant.
Genome position (GRCh38, 1-based): chr14:23,393,056, A duplicated on the plus strand (T on the coding strand, the reverse complement: MYH6 is on the minus strand). VCF-style (leftmost placement, unchanged base first): chr14-23393055-C-CA. GRCh37 (hg19) VCF-style: chr14-23862264-C-CA.
Other names: short protein forms E1037fs.
Identifiers: ClinVar variation 1521891 (VCV001521891.6), dbSNP rs2138597640, ClinGen allele CA2573149830.
Genomic context (GRCh38, chr14:23,393,055, plus strand): 5'-TTTCCGCTTTGCTCGCTCCAGGTCCATGCGCACCTTCTTCTCTTGCTCTAGGGATCCCTC[C>CA]AGCTGTTGGAGGGAAGAAAATAAGCAAAGTGTGGAAAACATGAAATCCATAGTGTATGCT-3'

ClinVar aggregate classification (germline): Uncertain significance (1 of 4 stars; one submission).

Conditions:
Hypertrophic cardiomyopathy 14. Identifiers: MedGen C2750467, MONDO:0013197, OMIM 613251.

Submission:

Labcorp Genetics (formerly Invitae), Labcorp
Classification: Uncertain significance for Hypertrophic cardiomyopathy 14. Last evaluated: 2021-09-29. Review status: criteria provided, single submitter. Criteria: Invitae Variant Classification Sherloc (09022015). Collection method: clinical testing. Allele origin: germline.
Comment: In summary, the available evidence is currently insufficient to determine the role of this variant in disease. Therefore, it has been classified as a Variant of Uncertain Significance. This variant has not been reported in the literature in individuals affected with MYH6-related conditions. This variant is not present in population databases (ExAC no frequency). This sequence change creates a premature translational stop signal (p.Glu1037Glyfs*38) in the MYH6 gene. It is expected to result in an absent or disrupted protein product. However, the current clinical and genetic evidence is not sufficient to establish whether loss-of-function variants in MYH6 cause disease.